The following is an entry in ClinVar:

NM_000095.3(COMP):c.881C>A (p.Thr294Asn)

Gene: COMP (cartilage oligomeric matrix protein; minus strand). Cytogenetic location: 19p13.11.
Variant type: single nucleotide variant.
Coding change: c.881C>A on transcript NM_000095.3 (MANE Select); coding-DNA position 881, C replaced by A.
Protein change: p.Thr294Asn; replaces threonine 294 with asparagine.
Molecular consequence: missense variant.
Genome position (GRCh38, 1-based): chr19:18,788,306, G>T on the plus strand (C>A on the coding strand, the complement: COMP is on the minus strand). VCF-style: chr19-18788306-G-T. GRCh37 (hg19) VCF-style: chr19-18899115-G-T.
Other names: short protein forms T294N.
Identifiers: ClinVar variation 3495925 (VCV003495925.3).
Genomic context (GRCh38, chr19:18,788,306, plus strand): 5'-GGATCGCAGGCGTCTCCGATGCCATCGCGGTCCACATCCTCCTGCCCTGAGTTGGGCACA[G>T]TCACGCAGTTGTCCTGGGGGCGGGCACAGAAGGTGTGAGGGGCGCGGTCATGAAGTCCCG-3'
Protein context (NP_000086.2, residues 284-304): ERQCRKDNCV[Thr294Asn]VPNSGQEDVD

ClinVar aggregate classification (germline): Uncertain significance. Review status: criteria provided, multiple submitters, no conflicts (2 of 4 stars). 2 submissions from 2 submitters: Uncertain significance (2). Last evaluated 2024-12-06.

Conditions:
Inborn genetic diseases. Identifiers: MedGen C0950123, MeSH D030342.

gnomAD v4.1: 53 of 1,611,932 alleles (0.0033%); highest among the groups gnomAD compares: Non-Finnish European, 0.0044%; no homozygotes.

Submissions (2):

Ambry Genetics
Classification: Uncertain significance for Inborn genetic diseases. Last evaluated: 2024-12-06. Review status: criteria provided, single submitter. Criteria: Ambry Variant Classification Scheme 2023. Collection method: clinical testing. Allele origin: germline.

Labcorp Genetics (formerly Invitae), Labcorp
Classification: Uncertain significance. Last evaluated: 2024-06-20. Review status: criteria provided, single submitter. Criteria: Invitae Variant Classification Sherloc (09022015). Collection method: clinical testing. Allele origin: germline.
Comment: This sequence change replaces threonine, which is neutral and polar, with asparagine, which is neutral and polar, at codon 294 of the COMP protein (p.Thr294Asn). This variant is present in population databases (rs774577435, gnomAD 0.004%). This variant has not been reported in the literature in individuals affected with COMP-related conditions. Advanced modeling of protein sequence and biophysical properties (such as structural, functional, and spatial information, amino acid conservation, physicochemical variation, residue mobility, and thermodynamic stability) performed at Invitae indicates that this missense variant is not expected to disrupt COMP protein function with a negative predictive value of 80%. In summary, the available evidence is currently insufficient to determine the role of this variant in disease. Therefore, it has been classified as a Variant of Uncertain Significance.